The following is an entry in ClinVar:

ClinVar aggregate classification (germline): Uncertain significance (1 of 4 stars; one submission).

Submission:

Labcorp Genetics (formerly Invitae), Labcorp
Classification: Uncertain significance. Last evaluated: 2022-06-10. Review status: criteria provided, single submitter. Criteria: Invitae Variant Classification Sherloc (09022015). Collection method: clinical testing. Allele origin: germline.
Comment: This sequence change replaces threonine, which is neutral and polar, with alanine, which is neutral and non-polar, at codon 306 of the WDR73 protein (p.Thr306Ala). In summary, the available evidence is currently insufficient to determine the role of this variant in disease. Therefore, it has been classified as a Variant of Uncertain Significance. Algorithms developed to predict the effect of missense changes on protein structure and function (SIFT, PolyPhen-2, Align-GVGD) all suggest that this variant is likely to be tolerated. This variant has not been reported in the literature in individuals affected with WDR73-related conditions. This variant is not present in population databases (gnomAD no frequency).

NM_032856.5(WDR73):c.916A>G (p.Thr306Ala)

Gene: WDR73 (WD repeat domain 73; minus strand). Cytogenetic location: 15q25.2.
Variant type: single nucleotide variant.
Coding change: c.916A>G on transcript NM_032856.5 (MANE Select); coding-DNA position 916, A replaced by G.
Protein change: p.Thr306Ala; replaces threonine 306 with alanine.
Molecular consequence: missense variant. On other transcripts: non-coding transcript variant (4).
Genome position (GRCh38, 1-based): chr15:84,643,691, T>C on the plus strand (A>G on the coding strand, the complement: WDR73 is on the minus strand). VCF-style: chr15-84643691-T-C. GRCh37 (hg19) VCF-style: chr15-85186922-T-C.
Other names: short protein forms T306A.
Identifiers: ClinVar variation 1911329 (VCV001911329.5), dbSNP rs2505364073, ClinGen allele CA393351756.
Genomic context (GRCh38, chr15:84,643,691, plus strand): 5'-TGAAGAGAGGTTCTACTTGGCTCCGTGTTCCATCTTGGCTCCGTGTTCCATCCCAAGATG[T>C]GGCATCATAGACCTGGACTGTACCATCAAAACCTGAGAATACAGAAAAGAGAGGCTTGAC-3'
Protein context (NP_116245.2, residues 296-316): FDGTVQVYDA[Thr306Ala]SWDGTRSQDG